The following is an entry in ClinVar:

NM_002063.4(GLRA2):c.522G>A (p.Met174Ile)

Gene: GLRA2 (glycine receptor alpha 2; plus strand). Cytogenetic location: Xp22.2.
Variant type: single nucleotide variant.
Coding change: c.522G>A on transcript NM_002063.4 (MANE Select); coding-DNA position 522, G replaced by A.
Protein change: p.Met174Ile; replaces methionine 174 with isoleucine.
Molecular consequence: missense variant.
Genome position (GRCh38, 1-based): chrX:14,604,342, G>A. VCF-style: chrX-14604342-G-A. GRCh37 (hg19) VCF-style: chrX-14622464-G-A.
Other names: c.522G>A, p.Met174Ile (NM_001118885.2, NM_001118886.2); c.255G>A, p.Met85Ile (NM_001171942.2); short protein forms M174I, M85I.
Identifiers: ClinVar variation 4071881 (VCV004071881.1).
Genomic context (GRCh38, chrX:14,604,342, plus strand): 5'-AAATGGTTTTTAATTTTTTTTTTGTTTGCTAAGACTCACCTTGACCTTATCCTGTCCCAT[G>A]GACTTGAAGAACTTTCCGATGGATGTCCAGACCTGTACAATGCAGCTGGAGAGTTGTAAG-3'
Protein context (NP_002054.1, residues 164-184): IRLTLTLSCP[Met174Ile]DLKNFPMDVQ

ClinVar aggregate classification (germline): Uncertain significance (1 of 4 stars; one submission).

Submission:

GeneDx
Classification: Uncertain significance. Last evaluated: 2025-01-27. Review status: criteria provided, single submitter. Criteria: GeneDx Variant Classification Process June 2021. Collection method: clinical testing. Allele origin: germline. Affected: yes.
Comment: Not observed at significant frequency in large population cohorts (gnomAD); In silico analysis supports a deleterious effect on splicing; In silico analysis supports that this missense variant has a deleterious effect on protein structure/function; Has not been previously published as pathogenic or benign to our knowledge; Variants in candidate genes are classified as variants of uncertain significance in accordance with ACMG guidelines (PMID: 25741868)